The following is an entry in ClinVar:

ClinVar aggregate classification (germline): Uncertain significance. Review status: criteria provided, multiple submitters, no conflicts (2 of 4 stars). 4 submissions from 4 submitters: Uncertain significance (4). Last evaluated 2025-10-24.

Conditions:
Congenital myasthenic syndrome 17. Identifiers: Orphanet 590, MedGen C4225377, MONDO:0014578, OMIM 616304.
Sclerosteosis 2 (SOST2). Identifiers: Orphanet 3152, MedGen C3280402, MONDO:0013679, OMIM 614305.
Cenani-Lenz syndactyly syndrome. Also called: SYNDACTYLY, TYPE VII; CENANI SYNDACTYLISM. Identifiers: Orphanet 3258, MedGen C1859309, MONDO:0008931, OMIM 212780.
Inborn genetic diseases. Identifiers: MedGen C0950123, MeSH D030342.

Allele frequency attached by ClinVar (database versions not stated): ExAC 0.00001; gnomAD 0.00001; gnomAD exomes 0.00001; TOPMed 0.00002.
gnomAD v4.1: 13 of 1,612,540 alleles (0.00081%); highest among the groups gnomAD compares: African/African-American, 0.0027%; no homozygotes.

Submissions (4):

Ambry Genetics
Classification: Uncertain significance for Inborn genetic diseases. Last evaluated: 2025-10-24. Review status: criteria provided, single submitter. Criteria: Ambry Variant Classification Scheme 2023. Collection method: clinical testing. Allele origin: germline.

Fulgent Genetics
Classification: Uncertain significance for Cenani-Lenz syndactyly syndrome; Sclerosteosis 2; Congenital myasthenic syndrome 17. Last evaluated: 2024-05-06. Review status: criteria provided, single submitter. Criteria: ACMG Guidelines, 2015. Collection method: clinical testing. Allele origin: germline.

CeGaT Center for Human Genetics Tuebingen
Classification: Uncertain significance. Last evaluated: 2023-12-01. Review status: criteria provided, single submitter. Criteria: CeGaT Center For Human Genetics Tuebingen Variant Classification Criteria Version 2. Collection method: clinical testing. Allele origin: germline. Affected: yes. Observed: 1 variant allele.
Comment: LRP4: PM2, BP4

Labcorp Genetics (formerly Invitae), Labcorp
Classification: Uncertain significance for Cenani-Lenz syndactyly syndrome; Sclerosteosis 2; Congenital myasthenic syndrome 17. Last evaluated: 2022-04-26. Review status: criteria provided, single submitter. Criteria: Invitae Variant Classification Sherloc (09022015). Collection method: clinical testing. Allele origin: germline.
Comment: This sequence change replaces arginine, which is basic and polar, with glutamine, which is neutral and polar, at codon 783 of the LRP4 protein (p.Arg783Gln). This variant is present in population databases (rs771948348, gnomAD 0.007%). This variant has not been reported in the literature in individuals affected with LRP4-related conditions. Algorithms developed to predict the effect of missense changes on protein structure and function (SIFT, PolyPhen-2, Align-GVGD) all suggest that this variant is likely to be tolerated. Algorithms developed to predict the effect of sequence changes on RNA splicing suggest that this variant may create or strengthen a splice site. In summary, the available evidence is currently insufficient to determine the role of this variant in disease. Therefore, it has been classified as a Variant of Uncertain Significance.

NM_002334.4(LRP4):c.2348G>A (p.Arg783Gln)

Gene: LRP4 (LDL receptor related protein 4; minus strand). Cytogenetic location: 11p11.2.
Variant type: single nucleotide variant.
Coding change: c.2348G>A on transcript NM_002334.4 (MANE Select); coding-DNA position 2348, G replaced by A.
Protein change: p.Arg783Gln; replaces arginine 783 with glutamine.
Molecular consequence: missense variant.
Genome position (GRCh38, 1-based): chr11:46,886,401, C>T on the plus strand (G>A on the coding strand, the complement: LRP4 is on the minus strand). VCF-style: chr11-46886401-C-T. GRCh37 (hg19) VCF-style: chr11-46907952-C-T.
Other names: c.2348G>A (NM_002334.3); short protein forms R783Q.
Identifiers: ClinVar variation 2043748 (VCV002043748.25), dbSNP rs771948348, ClinGen allele CA5969928.
Genomic context (GRCh38, chr11:46,886,401, plus strand): 5'-TCCCACTTGGCCCTGCTGATGGTATCAGTGCTGACATCTGTCCAGTACACGTGGTCATCC[C>T]GGGAGTCCCAGTCAAGGGCCACAGCACTGCGCACGTCAGCCAGTGGGATGACATCATCAG-3'
Protein context (NP_002325.2, residues 773-793): RSAVALDWDS[Arg783Gln]DDHVYWTDVS